The following is an entry in ClinVar:

NM_025132.4(WDR19):c.56T>G (p.Phe19Cys)

Gene: WDR19 (WD repeat domain 19; plus strand). Cytogenetic location: 4p14.
Variant type: single nucleotide variant.
Coding change: c.56T>G on transcript NM_025132.4 (MANE Select); coding-DNA position 56, T replaced by G.
Protein change: p.Phe19Cys; replaces phenylalanine 19 with cysteine.
Molecular consequence: missense variant. On other transcripts: 5 prime UTR variant (1).
Genome position (GRCh38, 1-based): chr4:39,185,775, T>G. VCF-style: chr4-39185775-T-G. GRCh37 (hg19) VCF-style: chr4-39187395-T-G.
Other names: c.-309T>G (NM_001317924.2); short protein forms F19C.
Identifiers: ClinVar variation 558760 (VCV000558760.15), dbSNP rs1247231925, ClinGen allele CA356630395.

ClinVar aggregate classification (germline): Uncertain significance. Review status: criteria provided, multiple submitters, no conflicts (2 of 4 stars). 4 submissions from 4 submitters: Uncertain significance (4). Last evaluated 2021-12-19.

Conditions:
Jeune thoracic dystrophy. Also called: Short-rib thoracic dysplasia; Jeune syndrome; Infantile thoracic dystrophy; Thoracic pelvic phalangeal dystrophy; Jeune's syndrome; Chondroectodermal dysplasia-like syndrome. Identifiers: Orphanet 474, MedGen C0265275, MONDO:0018770.
Cranioectodermal dysplasia 4 (CED4). Identifiers: Orphanet 1515, MedGen C3280616, MONDO:0013719, OMIM 614378.
Senior-Loken syndrome 8 (SLSN8). Identifiers: Orphanet 3156, MedGen C4225376, MONDO:0014579, OMIM 616307.
Asphyxiating thoracic dystrophy 5 (SRTD5). Also called: SHORT-RIB THORACIC DYSPLASIA 5 WITH OR WITHOUT POLYDACTYLY; SHORT-RIB THORACIC DYSPLASIA 5 WITHOUT POLYDACTYLY. Identifiers: Orphanet 474, MedGen C3280598, MONDO:0013717, OMIM 614376.

Allele frequency attached by ClinVar (database versions not stated): gnomAD exomes 0.00001 and 0.00002.
gnomAD v4.1: 32 of 1,559,166 alleles (0.0021%); highest among the groups gnomAD compares: Non-Finnish European, 0.0024%; no homozygotes.

Submissions (4):

Blueprint Genetics
Classification: Uncertain significance. Last evaluated: 2021-12-19. Review status: criteria provided, single submitter. Criteria: ACMG Guidelines, 2015. Collection method: clinical testing. Allele origin: germline.

Labcorp Genetics (formerly Invitae), Labcorp
Classification: Uncertain significance for Senior-Loken syndrome 8; Asphyxiating thoracic dystrophy 5. Last evaluated: 2021-01-12. Review status: criteria provided, single submitter. Criteria: Invitae Variant Classification Sherloc (09022015). Collection method: clinical testing. Allele origin: germline.
Comment: This variant has not been reported in the literature in individuals with WDR19-related conditions. ClinVar contains an entry for this variant (Variation ID: 558760). In summary, the available evidence is currently insufficient to determine the role of this variant in disease. Therefore, it has been classified as a Variant of Uncertain Significance. Algorithms developed to predict the effect of missense changes on protein structure and function are either unavailable or do not agree on the potential impact of this missense change (SIFT: "Tolerated"; PolyPhen-2: "Probably Damaging"; Align-GVGD: "Class C0"). This variant is not present in population databases (ExAC no frequency). This sequence change replaces phenylalanine with cysteine at codon 19 of the WDR19 protein (p.Phe19Cys). The phenylalanine residue is moderately conserved and there is a large physicochemical difference between phenylalanine and cysteine.

Molecular Genetics, Royal Melbourne Hospital
Classification: Uncertain significance for Cranioectodermal dysplasia 4. Last evaluated: 2020-05-28. Review status: criteria provided, single submitter. Criteria: ACMG Guidelines, 2015. Collection method: clinical testing. Allele origin: germline. Affected: yes.
Comment: This sequence change is predicted to replace phenylalanine with cysteine at codon 19 of the WDR19 protein (p.Phe19Cys). The phenylalanine residue is highly conserved (100 vertebrates, UCSC), and located in WD repeat 1. There is a large physicochemical difference between phenylalanine and cysteine. The variant is present in a large population cohort at a frequency of 0.001%, which is consistent with a recessive condition (PM2; rs1247231925, 2/170,202 alleles, 0 homozygotes in gnomAD v2.1). The variant has been identified in at least two cases with ciliopathies: compound heterozygous with a variant of uncertain significance in an individual with a phenotype suggestive of shot-rib thoracic dysplasia (SCV000788387.1), and with a second likely pathogenic allele (phase unknown) in an individual with a phenotype suggestive of cranioectodermal dysplasia (PM3_Supporting; Royal Melbourne Hospital). Multiple lines of computational evidence predict a deleterious effect for the missense substitution (PP3; 6/7 algorithms). Based on the classification scheme RMH ACMG Guidelines v1.2.1, this variant is classified as VARIANT OF UNCERTAIN SIGNIFICANCE. Following criteria are met: PM2, PM3_Supporting, PP3.

Rare Disease Group, Clinical Genetics, Karolinska Institutet
Classification: Uncertain significance for Jeune thoracic dystrophy. Last evaluated: 2018-05-01. Review status: criteria provided, single submitter. Criteria: ACMG Guidelines, 2015. Collection method: research. Allele origin: maternal. Inheritance: Autosomal recessive inheritance. Affected: yes.